The following is an entry in ClinVar:

ClinVar aggregate classification (germline): Uncertain significance. Review status: criteria provided, multiple submitters, no conflicts (2 of 4 stars). 2 submissions from 2 submitters: Uncertain significance (2). Last evaluated 2025-11-26.

Conditions:
Inborn genetic diseases. Identifiers: MedGen C0950123, MeSH D030342.

Allele frequency attached by ClinVar (database versions not stated): gnomAD exomes below 0.00001; ExAC 0.00001.
gnomAD v4.1: 2 of 1,614,110 alleles (0.00012%); highest among the groups gnomAD compares: Middle Eastern, 0.033%; no homozygotes.

Submissions (2):

Ambry Genetics
Classification: Uncertain significance for Inborn genetic diseases. Last evaluated: 2025-11-26. Review status: criteria provided, single submitter. Criteria: Ambry Variant Classification Scheme 2023. Collection method: clinical testing. Allele origin: germline.

Labcorp Genetics (formerly Invitae), Labcorp
Classification: Uncertain significance. Last evaluated: 2020-06-06. Review status: criteria provided, single submitter. Criteria: Invitae Variant Classification Sherloc (09022015). Collection method: clinical testing. Allele origin: germline.
Comment: In summary, the available evidence is currently insufficient to determine the role of this variant in disease. Therefore, it has been classified as a Variant of Uncertain Significance. This sequence change replaces glutamine with tryptophan at codon 1160 of the FN1 protein (p.Gln1160Arg). The glutamine residue is moderately conserved and there is a small physicochemical difference between glutamine and tryptophan. This variant is present in population databases (rs768213883, ExAC 0.001%). This variant has not been reported in the literature in individuals with FN1-related conditions. Algorithms developed to predict the effect of missense changes on protein structure and function are either unavailable or do not agree on the potential impact of this missense change (SIFT: "Not Available"; PolyPhen-2: "Benign"; Align-GVGD: "Not Available").

NM_212482.4(FN1):c.3479A>G (p.Gln1160Arg)

Gene: FN1 (fibronectin 1; minus strand). Cytogenetic location: 2q35.
Variant type: single nucleotide variant.
Coding change: c.3479A>G on transcript NM_212482.4 (MANE Select); coding-DNA position 3479, A replaced by G.
Protein change: p.Gln1160Arg; replaces glutamine 1160 with arginine.
Molecular consequence: missense variant.
Genome position (GRCh38, 1-based): chr2:215,397,718, T>C on the plus strand (A>G on the coding strand, the complement: FN1 is on the minus strand). VCF-style: chr2-215397718-T-C. GRCh37 (hg19) VCF-style: chr2-216262441-T-C.
Other names: c.3479A>G (NM_212482.1); c.3479A>G, p.Gln1160Arg (NM_001306129.2, NM_001306130.2, NM_001306131.2 and 13 more transcripts); short protein forms Q1160R.
Identifiers: ClinVar variation 1017387 (VCV001017387.8), dbSNP rs768213883, ClinGen allele CA2094704.